The following is an entry in ClinVar:

ClinVar aggregate classification (germline): Uncertain significance (1 of 4 stars; one submission).

Allele frequency attached by ClinVar (database versions not stated): ESP Exome Variant Server 0.00015; TOPMed 0.00027; gnomAD 0.00034; ExAC 0.00065; 1000 Genomes Project 30x 0.00125; 1000 Genomes Project 0.00160.
gnomAD v4.1: 415 of 1,612,858 alleles (0.026%); highest among the groups gnomAD compares: East Asian, 0.21%; no homozygotes.

Submission:

Ambry Genetics
Classification: Uncertain significance. Last evaluated: 2024-10-06. Review status: criteria provided, single submitter. Criteria: Ambry Variant Classification Scheme 2023. Collection method: clinical testing. Allele origin: germline.
Comment: The p.A1978T variant (also known as c.5932G>A), located in coding exon 8 of the ALPK2 gene, results from a G to A substitution at nucleotide position 5932. The alanine at codon 1978 is replaced by threonine, an amino acid with similar properties. This amino acid position is conserved. In addition, this alteration is predicted to be tolerated by in silico analysis. Since supporting evidence is limited at this time, the clinical significance of this alteration remains unclear.

NM_052947.4(ALPK2):c.5932G>A (p.Ala1978Thr)

Gene: ALPK2 (alpha kinase 2; minus strand). Cytogenetic location: 18q21.31.
Variant type: single nucleotide variant.
Coding change: c.5932G>A on transcript NM_052947.4 (MANE Select); coding-DNA position 5932, G replaced by A.
Protein change: p.Ala1978Thr; replaces alanine 1978 with threonine.
Molecular consequence: missense variant.
Genome position (GRCh38, 1-based): chr18:58,516,916, C>T on the plus strand (G>A on the coding strand, the complement: ALPK2 is on the minus strand). VCF-style: chr18-58516916-C-T. GRCh37 (hg19) VCF-style: chr18-56184148-C-T.
Other names: short protein forms A1978T.
Identifiers: ClinVar variation 1750584 (VCV001750584.3), dbSNP rs146618330, ClinGen allele CA8976328.